The following is an entry in ClinVar:

NM_001039876.3(SYNE4):c.1157G>C (p.Arg386Pro)

Gene: SYNE4 (spectrin repeat containing nuclear envelope family member 4; minus strand). Cytogenetic location: 19q13.12.
Variant type: single nucleotide variant.
Coding change: c.1157G>C on transcript NM_001039876.3 (MANE Select); coding-DNA position 1157, G replaced by C.
Protein change: p.Arg386Pro; replaces arginine 386 with proline.
Molecular consequence: missense variant.
Genome position (GRCh38, 1-based): chr19:36,003,395, C>G on the plus strand (G>C on the coding strand, the complement: SYNE4 is on the minus strand). VCF-style: chr19-36003395-C-G. GRCh37 (hg19) VCF-style: chr19-36494297-C-G.
Other names: c.818G>C, p.Arg273Pro (NM_001297735.3); c.1157G>C (NM_001039876.2, NM_001039876.1); short protein forms R386P, R273P.
Identifiers: ClinVar variation 500194 (VCV000500194.7), dbSNP rs200818193, ClinGen allele CA9393736.

ClinVar aggregate classification (germline): Uncertain significance. Review status: criteria provided, multiple submitters, no conflicts (2 of 4 stars). 3 submissions from 3 submitters: Uncertain significance (3). Last evaluated 2025-04-08.

Allele frequency attached by ClinVar (database versions not stated): TOPMed 0.00019.
gnomAD v4.1: 39 of 1,613,794 alleles (0.0024%); highest among the groups gnomAD compares: African/African-American, 0.031%; no homozygotes.

Submissions (3):

Ambry Genetics
Classification: Uncertain significance. Last evaluated: 2025-04-08. Review status: criteria provided, single submitter. Criteria: Ambry Variant Classification Scheme 2023. Collection method: clinical testing. Allele origin: germline.

GeneDx
Classification: Uncertain significance. Last evaluated: 2024-05-28. Review status: criteria provided, single submitter. Criteria: GeneDx Variant Classification Process June 2021. Collection method: clinical testing. Allele origin: germline. Affected: yes.
Comment: In silico analysis supports that this missense variant has a deleterious effect on protein structure/function; Has not been previously published as pathogenic or benign to our knowledge

Eurofins Ntd Llc (ga)
Classification: Uncertain significance. Last evaluated: 2017-02-21. Review status: criteria provided, single submitter. Criteria: EGL Classification Definitions 2015. Collection method: clinical testing. Allele origin: germline. Observed: 1 variant allele, 1 heterozygote.